The following is an entry in ClinVar:

ClinVar aggregate classification (germline): Uncertain significance. Review status: criteria provided, multiple submitters, no conflicts (2 of 4 stars). 2 submissions from 2 submitters: Uncertain significance (2). Last evaluated 2022-10-04.

Conditions:
Inborn genetic diseases. Identifiers: MedGen C0950123, MeSH D030342.

Allele frequency attached by ClinVar (database versions not stated): gnomAD exomes 0.00002; TOPMed 0.00003; ExAC 0.00006.
gnomAD v4.1: 35 of 1,614,166 alleles (0.0022%); highest among the groups gnomAD compares: South Asian, 0.012%; 1 homozygote.

Submissions (2):

Ambry Genetics
Classification: Uncertain significance for Inborn genetic diseases. Last evaluated: 2022-10-04. Review status: criteria provided, single submitter. Criteria: Ambry Variant Classification Scheme 2023. Collection method: clinical testing. Allele origin: germline.

Labcorp Genetics (formerly Invitae), Labcorp
Classification: Uncertain significance. Last evaluated: 2022-03-19. Review status: criteria provided, single submitter. Criteria: Invitae Variant Classification Sherloc (09022015). Collection method: clinical testing. Allele origin: germline.
Comment: This sequence change replaces aspartic acid, which is acidic and polar, with asparagine, which is neutral and polar, at codon 224 of the HSPG2 protein (p.Asp224Asn). This variant is present in population databases (rs547943869, gnomAD 0.01%). This variant has not been reported in the literature in individuals affected with HSPG2-related conditions. Algorithms developed to predict the effect of missense changes on protein structure and function are either unavailable or do not agree on the potential impact of this missense change (SIFT: "Tolerated"; PolyPhen-2: "Probably Damaging"; Align-GVGD: "Class C0"). In summary, the available evidence is currently insufficient to determine the role of this variant in disease. Therefore, it has been classified as a Variant of Uncertain Significance.

NM_005529.7(HSPG2):c.670G>A (p.Asp224Asn)

Gene: HSPG2 (heparan sulfate proteoglycan 2; minus strand). Cytogenetic location: 1p36.12.
Variant type: single nucleotide variant.
Coding change: c.670G>A on transcript NM_005529.7 (MANE Select); coding-DNA position 670, G replaced by A.
Protein change: p.Asp224Asn; replaces aspartic acid 224 with asparagine.
Molecular consequence: missense variant.
Genome position (GRCh38, 1-based): chr1:21,887,971, C>T on the plus strand (G>A on the coding strand, the complement: HSPG2 is on the minus strand). VCF-style: chr1-21887971-C-T. GRCh37 (hg19) VCF-style: chr1-22214464-C-T.
Other names: c.670G>A, p.Asp224Asn (NM_001291860.2); short protein forms D224N.
Identifiers: ClinVar variation 2085919 (VCV002085919.2), dbSNP rs547943869, ClinGen allele CA673742.